The following is an entry in ClinVar:

NM_033028.5(BBS4):c.1A>G (p.Met1Val)

Gene: BBS4 (Bardet-Biedl syndrome 4; plus strand). Cytogenetic location: 15q24.1.
Variant type: single nucleotide variant.
Coding change: c.1A>G on transcript NM_033028.5 (MANE Select); coding-DNA position 1, A replaced by G.
Protein change: p.Met1Val; changes the start codon (methionine 1).
Molecular consequence: missense variant, initiator codon variant. On other transcripts: 5 prime UTR variant (1), non-coding transcript variant (2).
Genome position (GRCh38, 1-based): chr15:72,686,228, A>G. VCF-style: chr15-72686228-A-G. GRCh37 (hg19) VCF-style: chr15-72978569-A-G.
Other names: c.-469A>G (NM_001252678.2); c.1A>G, p.Met1Val (NM_001320665.2); short protein forms M1V.
Identifiers: ClinVar variation 886465 (VCV000886465.15), dbSNP rs773109542, ClinGen allele CA7646416.

ClinVar aggregate classification (germline): Pathogenic/Likely pathogenic. Review status: criteria provided, multiple submitters, no conflicts (2 of 4 stars). 4 submissions from 4 submitters: Pathogenic (1); Likely pathogenic (3). Last evaluated 2025-11-18.

Conditions:
BBS4-related disorder. Also called: BBS4-related condition.
Bardet-Biedl syndrome (BBS). Identifiers: Orphanet 110, MedGen C0752166, MONDO:0015229.
Bardet-Biedl syndrome 4 (BBS4). Identifiers: Orphanet 110, MedGen C2936864, MONDO:0014433, OMIM 615982.

Allele frequency attached by ClinVar (database versions not stated): ExAC below 0.00001; gnomAD exomes below 0.00001 and 0.00001; TOPMed 0.00001.

Submissions (4):

PreventionGenetics, part of Exact Sciences
Classification: Likely pathogenic for BBS4-related condition. Last evaluated: 2025-11-18. Review status: criteria provided, single submitter. Criteria: ACMG Guidelines, 2015. Collection method: clinical testing. Allele origin: germline.
Comment: The BBS4 c.1A>G variant is predicted to disrupt the translation initiation site (Start Loss). This variant was reported in a large cohort study integrating whole genome sequencing with deep phenotyping in adult participants (Table S1, Hou et al 2020. PubMed ID: 31980526). This variant is reported in 0.0037% of alleles in individuals of Latino descent in gnomAD. This variant is interpreted as likely pathogenic.

Labcorp Genetics (formerly Invitae), Labcorp
Classification: Pathogenic for Bardet-Biedl syndrome. Last evaluated: 2025-09-15. Review status: criteria provided, single submitter. Criteria: Invitae Variant Classification Sherloc (09022015). Collection method: clinical testing. Allele origin: germline.
Comment: This sequence change affects the initiator codon of the BBS4 mRNA. This change may impact translation initiation or efficiency. The next in-frame methionine is located at codon 173. The frequency data for this variant in the population databases is considered unreliable, as metrics indicate poor data quality at this position in the gnomAD database. This variant has not been reported in the literature in individuals affected with BBS4-related conditions. ClinVar contains an entry for this variant (Variation ID: 886465). This variant disrupts a region of the BBS4 protein in which other variant(s) (Deletion (Exons 3-4)) have been determined to be pathogenic (PMID: 11381270). This suggests that this is a clinically significant region of the protein, and that variants that disrupt it are likely to be disease-causing. For these reasons, this variant has been classified as Pathogenic.

Women's Health and Genetics/Laboratory Corporation of America, LabCorp
Classification: Likely pathogenic for Bardet-Biedl syndrome. Last evaluated: 2024-09-10. Review status: criteria provided, single submitter. Criteria: LabCorp Variant Classification Summary - May 2015. Collection method: clinical testing. Allele origin: germline.
Comment: Variant summary: BBS4 c.1A>G (p.Met1Val) alters the initiation codon and is predicted to result either in absence of the protein or truncation of the encoded protein due to translation initiation at a downstream codon. Two of two in-silico tools predict a benign effect of the variant on protein function. The variant allele was found at a frequency of 1.1e-05 in 176590 control chromosomes. To our knowledge, c.1A>G has not been reported in the literature in individuals affected with a clinical diagnosis of Bardet-Biedl Syndrome or BBS4-related conditions. These report(s) do not provide unequivocal conclusions about association of the variant with Bardet-Biedl Syndrome. However, deletion of exons 3-4 has been internally classified as pathogenic (ClinVar ID: 2501272). To our knowledge, no experimental evidence demonstrating an impact on protein function has been reported. The following publication has been ascertained in the context of this evaluation (PMID: 31980526). ClinVar contains an entry for this variant (Variation ID: 886465). Based on the evidence outlined above, the variant was classified as likely pathogenic.

Fulgent Genetics
Classification: Likely pathogenic for Bardet-Biedl syndrome 4. Last evaluated: 2024-02-20. Review status: criteria provided, single submitter. Criteria: ACMG Guidelines, 2015. Collection method: clinical testing. Allele origin: germline.

Literature cited by the submitters: PubMed 11381270 (cited by Labcorp Genetics (formerly Invitae), Labcorp); PubMed 31980526 (cited by Women's Health and Genetics/Laboratory Corporation of America, LabCorp).